The following is an entry in ClinVar:

NM_001376.5(DYNC1H1):c.4203T>C (p.Ile1401=)

Gene: DYNC1H1 (dynein cytoplasmic 1 heavy chain 1; plus strand). Cytogenetic location: 14q32.31.
Variant type: single nucleotide variant.
Coding change: c.4203T>C on transcript NM_001376.5 (MANE Select); coding-DNA position 4203, T replaced by C.
Protein change: p.Ile1401=; no amino-acid change (isoleucine 1401 retained).
Molecular consequence: synonymous variant.
Genome position (GRCh38, 1-based): chr14:102,001,162, T>C. VCF-style: chr14-102001162-T-C. GRCh37 (hg19) VCF-style: chr14-102467499-T-C.
Identifiers: ClinVar variation 1879288 (VCV001879288.29), dbSNP rs2503730044, ClinGen allele CA488183947.
Genomic context (GRCh38, chr14:102,001,162, plus strand): 5'-AGAAACGCACCTGCACAGATCACTTTGTTTACTTTCTCCACAGATAAATATGCTGGTGAT[T>C]GAACTGAAATCCGAAGCACTTAAAGACCGCCATTGGAAACAGCTCATGAAAAGGCTTCAC-3'
Protein context (NP_001367.2, residues 1391-1411): KGYMKINMLV[Ile1401=]ELKSEALKDR

ClinVar aggregate classification (germline): Likely benign (1 of 4 stars; one submission).

gnomAD v4.1: 1 of 1,614,186 alleles (0.000062%); no homozygotes.

Submission:

CeGaT Center for Human Genetics Tuebingen
Classification: Likely benign. Last evaluated: 2022-10-01. Review status: criteria provided, single submitter. Criteria: CeGaT Center For Human Genetics Tuebingen Variant Classification Criteria Version 2. Collection method: clinical testing. Allele origin: germline. Affected: yes. Observed: 1 variant allele.
Comment: DYNC1H1: PM2:Supporting, BP4, BP7